The following is an entry in ClinVar:

ClinVar aggregate classification (germline): Uncertain significance. Review status: criteria provided, multiple submitters, no conflicts (2 of 4 stars). 3 submissions from 3 submitters: Uncertain significance (2). 1 of the submissions does not count toward it. Last evaluated 2025-02-02.

Conditions:
Niemann-Pick disease, type A. Also called: SPHINGOMYELIN LIPIDOSIS; SPHINGOMYELINASE DEFICIENCY; Infantile Neurovisceral ASMD (Niemann-Pick Disease Type A; NPD-A). Identifiers: Orphanet 77292, MedGen C0268242, MONDO:0009756, OMIM 257200. Disease mechanism: loss of function.
Niemann-Pick disease, type B. Also called: Chronic Visceral ASMD (Niemann-Pick Disease Type B; NPD-B). Identifiers: Orphanet 77293, MedGen C0268243, MONDO:0011871, OMIM 607616. Disease mechanism: loss of function.
SMPD1-related disorder. Also called: SMPD1-related condition.

Submissions (3):

PreventionGenetics, part of Exact Sciences
Classification: Uncertain significance for SMPD1-related condition. Last evaluated: 2025-02-02. Review status: criteria provided, single submitter. Criteria: ACMG Guidelines, 2015. Collection method: clinical testing. Allele origin: germline.
Comment: The SMPD1 c.1410T>A variant is predicted to result in the amino acid substitution p.Asp470Glu. To our knowledge, this variant has not been reported in the literature or in a large population database (gnomAD), indicating this variant is rare. At this time, the clinical significance of this variant is uncertain due to the absence of conclusive functional and genetic evidence.

Labcorp Genetics (formerly Invitae), Labcorp
Classification: Uncertain significance for Niemann-Pick disease, type B; Niemann-Pick disease, type A. Last evaluated: 2022-10-12. Review status: criteria provided, single submitter. Criteria: Invitae Variant Classification Sherloc (09022015). Collection method: clinical testing. Allele origin: germline.
Comment: This sequence change replaces aspartic acid, which is acidic and polar, with glutamic acid, which is acidic and polar, at codon 470 of the SMPD1 protein (p.Asp470Glu). This variant is not present in population databases (gnomAD no frequency). This missense change has been observed in individual(s) with Niemann Pick type B (Invitae). In at least one individual the data is consistent with being in trans (on the opposite chromosome) from a pathogenic variant. Advanced modeling of protein sequence and biophysical properties (such as structural, functional, and spatial information, amino acid conservation, physicochemical variation, residue mobility, and thermodynamic stability) has been performed at Invitae for this missense variant, however the output from this modeling did not meet the statistical confidence thresholds required to predict the impact of this variant on SMPD1 protein function. In summary, the available evidence is currently insufficient to determine the role of this variant in disease. Therefore, it has been classified as a Variant of Uncertain Significance.

Natera, Inc.
Classification: Uncertain significance for Niemann-Pick Disease, Types A/B. Last evaluated: 2025-05-02. Review status: no assertion criteria provided. Collection method: clinical testing. Allele origin: germline. Not counted in ClinVar's aggregate classification.

NM_000543.5(SMPD1):c.1410T>A (p.Asp470Glu)

Gene: SMPD1 (sphingomyelin phosphodiesterase 1; plus strand). Cytogenetic location: 11p15.4.
Variant type: single nucleotide variant.
Coding change: c.1410T>A on transcript NM_000543.5 (MANE Select); coding-DNA position 1410, T replaced by A.
Protein change: p.Asp470Glu; replaces aspartic acid 470 with glutamic acid.
Molecular consequence: missense variant. On other transcripts: non-coding transcript variant (2).
Genome position (GRCh38, 1-based): chr11:6,393,965, T>A. VCF-style: chr11-6393965-T-A. GRCh37 (hg19) VCF-style: chr11-6415195-T-A.
Other names: c.1407T>A, p.Asp469Glu (NM_001007593.3); c.1410T>A, p.Asp470Glu (NM_001318087.2); c.489T>A, p.Asp163Glu (NM_001318088.2); c.1278T>A, p.Asp426Glu (NM_001365135.2); c.1410T>A (NM_000543.4); short protein forms D163E, D426E, D469E, D470E.
Identifiers: ClinVar variation 1721487 (VCV001721487.5), dbSNP rs2493820187, ClinGen allele CA379375154.